The following is an entry in ClinVar:

ClinVar aggregate classification (germline): Conflicting classifications of pathogenicity. Review status: criteria provided, conflicting classifications (1 of 4 stars). 7 submissions from 7 submitters: Uncertain significance (6); Likely benign (1). Last evaluated 2025-07-16.

Conditions:
Inborn genetic diseases. Identifiers: MedGen C0950123, MeSH D030342.
Osteogenesis imperfecta (OI). Identifiers: Orphanet 666, MedGen C0029434, MeSH D010013, MONDO:0019019.

Allele frequency attached by ClinVar (database versions not stated): 1000 Genomes Project 30x 0.00047; ESP Exome Variant Server 0.00062; gnomAD 0.00066 and 0.00067; TOPMed 0.00075.
gnomAD v4.1: 1,439 of 1,598,856 alleles (0.09%); highest among the groups gnomAD compares: Non-Finnish European, 0.11%; 1 homozygote.

Submissions (7):

Women's Health and Genetics/Laboratory Corporation of America, LabCorp
Classification: Uncertain significance. Last evaluated: 2025-07-16. Review status: criteria provided, single submitter. Criteria: LabCorp Variant Classification Summary - May 2015. Collection method: clinical testing. Allele origin: germline.
Comment: Variant summary: WNT1 c.754G>C (p.Gly252Arg) results in a non-conservative amino acid change in the encoded protein sequence. Algorithms developed to predict the effect of missense changes on protein structure and function are either unavailable or do not agree on the potential impact of this missense change. The variant allele was found at a frequency of 0.0009 in 1598856 control chromosomes, predominantly at a frequency of 0.0011 within the Non-Finnish European subpopulation in the gnomAD database, including one homozygote. This frequency is not significantly higher than estimated for a pathogenic variant in WNT1 causing Osteogenesis Imperfecta (0.0009 vs 0.0011), allowing no conclusion about variant significance. c.754G>C has been reported in the literature in individuals affected by Osteoperosis (e.g. Luther_2018, Chen_2020, Oheim_2022, Peris_2023). These reports do not provide unequivocal conclusions about association of the variant with Osteogenesis Imperfecta. To our knowledge, no experimental evidence demonstrating an impact on protein function has been reported. The following publications have been ascertained in the context of this evaluation (PMID: 32161841, 30404864, 35276006, 36396825). ClinVar contains an entry for this variant (Variation ID: 627582). Based on the evidence outlined above, the variant was classified as VUS-possibly benign.

CeGaT Center for Human Genetics Tuebingen
Classification: Likely benign. Last evaluated: 2025-07-01. Review status: criteria provided, single submitter. Criteria: CeGaT Center For Human Genetics Tuebingen Variant Classification Criteria Version 2. Collection method: clinical testing. Allele origin: germline. Affected: yes. Observed: 1 variant allele.
Comment: WNT1: BS2

Labcorp Genetics (formerly Invitae), Labcorp
Classification: Uncertain significance. Last evaluated: 2025-01-29. Review status: criteria provided, single submitter. Criteria: Invitae Variant Classification Sherloc (09022015). Collection method: clinical testing. Allele origin: germline.
Comment: This sequence change replaces glycine, which is neutral and non-polar, with arginine, which is basic and polar, at codon 252 of the WNT1 protein (p.Gly252Arg). This variant is present in population databases (rs200151492, gnomAD 0.09%), and has an allele count higher than expected for a pathogenic variant. This missense change has been observed in individual(s) with clinical features of osteoporosis (PMID: 36396825). ClinVar contains an entry for this variant (Variation ID: 627582). Invitae Evidence Modeling of protein sequence and biophysical properties (such as structural, functional, and spatial information, amino acid conservation, physicochemical variation, residue mobility, and thermodynamic stability) indicates that this missense variant is not expected to disrupt WNT1 protein function with a negative predictive value of 80%. In summary, the available evidence is currently insufficient to determine the role of this variant in disease. Therefore, it has been classified as a Variant of Uncertain Significance.

Blueprint Genetics
Classification: Uncertain significance. Last evaluated: 2024-09-05. Review status: criteria provided, single submitter. Criteria: ACMG Guidelines, 2015. Collection method: clinical testing. Allele origin: germline.

Ambry Genetics
Classification: Uncertain significance for Inborn genetic diseases. Last evaluated: 2021-10-12. Review status: criteria provided, single submitter. Criteria: Ambry Variant Classification Scheme 2023. Collection method: clinical testing. Allele origin: germline.

GeneDx
Classification: Uncertain significance. Last evaluated: 2019-12-03. Review status: criteria provided, single submitter. Criteria: GeneDx Variant Classification Process June 2021. Collection method: clinical testing. Allele origin: germline. Affected: yes.
Comment: In silico analysis, which includes protein predictors and evolutionary conservation, supports a deleterious effect; Has not been previously published as pathogenic or benign to our knowledge

Center of Genomic medicine, Geneva, University Hospital of Geneva
Classification: Uncertain significance for Osteogenesis imperfecta. Last evaluated: 2018-11-26. Review status: criteria provided, single submitter. Criteria: ACMG Guidelines, 2015. Collection method: clinical testing. Allele origin: germline. Affected: yes.

Literature cited by the submitters: PubMed 32161841 (cited by Women's Health and Genetics/Laboratory Corporation of America, LabCorp); PubMed 30404864 (cited by Women's Health and Genetics/Laboratory Corporation of America, LabCorp); PubMed 35276006 (cited by Women's Health and Genetics/Laboratory Corporation of America, LabCorp); PubMed 36396825 (cited by Women's Health and Genetics/Laboratory Corporation of America, LabCorp and Labcorp Genetics (formerly Invitae), Labcorp).

NM_005430.4(WNT1):c.754G>C (p.Gly252Arg)

Gene: WNT1 (Wnt family member 1; plus strand). Cytogenetic location: 12q13.12.
Variant type: single nucleotide variant.
Coding change: c.754G>C on transcript NM_005430.4 (MANE Select); coding-DNA position 754, G replaced by C.
Protein change: p.Gly252Arg; replaces glycine 252 with arginine.
Molecular consequence: missense variant.
Genome position (GRCh38, 1-based): chr12:48,981,281, G>C. VCF-style: chr12-48981281-G-C. GRCh37 (hg19) VCF-style: chr12-49375064-G-C.
Other names: short protein forms G252R.
Identifiers: ClinVar variation 627582 (VCV000627582.23), dbSNP rs200151492, ClinGen allele CA6544467.